The following is an entry in ClinVar:

NM_000503.6(EYA1):c.1698+1G>T

Gene: EYA1 (EYA transcriptional coactivator and phosphatase 1; minus strand). Cytogenetic location: 8q13.3.
Variant type: single nucleotide variant.
Coding change: c.1698+1G>T on transcript NM_000503.6 (MANE Select); the canonical splice donor site of the intron after coding-DNA position 1698, G replaced by T.
Molecular consequence: splice donor variant.
Genome position (GRCh38, 1-based): chr8:71,211,155, C>A on the plus strand (G>T on the coding strand, the complement: EYA1 is on the minus strand). VCF-style: chr8-71211155-C-A. GRCh37 (hg19) VCF-style: chr8-72123390-C-A.
Other names: c.1677+1G>T (NM_001370336.1); c.1785+1G>T (NM_001370333.1); c.1698+1G>T (NM_001370335.1, NM_001370334.1, NM_172058.4); c.1680+1G>T (NM_172059.5, NM_001288574.2); c.1599+1G>T (NM_001411797.1, NM_172060.4); c.1332+1G>T (NM_001288575.2).
Identifiers: ClinVar variation 1069048 (VCV001069048.5), dbSNP rs530147851, ClinGen allele CA371465803.
Genomic context (GRCh38, chr8:71,211,155, plus strand): 5'-ATGAGAATACTGAGGACTGAAAAAACAAATGAGACAAGATGCACCATCTAGGAATGCTCA[C>A]CTTTTTTGCTCCTTGTTCTTCTTCTACACCATCTCCTATAACAACATACACCACTTTTCT-3'

ClinVar aggregate classification (germline): Pathogenic. Review status: criteria provided, multiple submitters, no conflicts (2 of 4 stars). 2 submissions from 2 submitters: Pathogenic (2). Last evaluated 2024-03-25.

Conditions:
Melnick-Fraser syndrome (BOR). Also called: Branchio-oto-renal syndrome; Branchiootorenal syndrome; Branchiootorenal Syndrome (BORS). Identifiers: Orphanet 107, MedGen C0265234, MONDO:0007029.
Branchiootorenal syndrome 1. Also called: Branchio-Oto-Renal Syndrome 1. Identifiers: Orphanet 107, MedGen C4551702, MONDO:0007236, OMIM 113650.

Submissions (2):

Greenwood Genetic Center Diagnostic Laboratories, Greenwood Genetic Center
Classification: Pathogenic for Branchiootorenal syndrome 1. Last evaluated: 2024-03-25. Review status: criteria provided, single submitter. Criteria: ACMG Guidelines, 2015. Collection method: clinical testing. Allele origin: germline. Affected: yes.
Comment: PVS1, PS4_Moderate, PM2

Labcorp Genetics (formerly Invitae), Labcorp
Classification: Pathogenic for Melnick-Fraser syndrome. Last evaluated: 2021-09-01. Review status: criteria provided, single submitter. Criteria: Invitae Variant Classification Sherloc (09022015). Collection method: clinical testing. Allele origin: germline.